The following is an entry in ClinVar:

ClinVar aggregate classification (germline): Likely benign (1 of 4 stars; one submission).

Allele frequency attached by ClinVar (database versions not stated): gnomAD 0.00905 and 0.00975; 1000 Genomes Project 30x 0.00953; 1000 Genomes Project 0.00998; TOPMed 0.01024.
gnomAD v4.1: 1,363 of 152,324 alleles (0.89%); highest among the groups gnomAD compares: African/African-American, 3.1%; 21 homozygotes.

Submission:

GeneDx
Classification: Likely benign. Last evaluated: 2018-06-16. Review status: criteria provided, single submitter. Criteria: GeneDx Variant Classification (06012015). Collection method: clinical testing. Allele origin: germline. Affected: yes.
Comment: This variant is considered likely benign or benign based on one or more of the following criteria: it is a conservative change, it occurs at a poorly conserved position in the protein, it is predicted to be benign by multiple in silico algorithms, and/or has population frequency not consistent with disease.

NM_014244.5(ADAMTS2):c.2618-261C>T

Gene: ADAMTS2 (ADAM metallopeptidase with thrombospondin type 1 motif 2; minus strand). Cytogenetic location: 5q35.3.
Variant type: single nucleotide variant.
Coding change: c.2618-261C>T on transcript NM_014244.5 (MANE Select); 261 bases into the intron before coding-DNA position 2618, C replaced by T.
Molecular consequence: intron variant.
Genome position (GRCh38, 1-based): chr5:179,126,391, G>A on the plus strand (C>T on the coding strand, the complement: ADAMTS2 is on the minus strand). VCF-style: chr5-179126391-G-A. GRCh37 (hg19) VCF-style: chr5-178553392-G-A.
Identifiers: ClinVar variation 673859 (VCV000673859.1), dbSNP rs58341826, ClinGen allele CA133030946.